The following is an entry in ClinVar:

ClinVar aggregate classification (germline): Likely pathogenic (1 of 4 stars; one submission).

Submission:

Labcorp Genetics (formerly Invitae), Labcorp
Classification: Likely pathogenic. Last evaluated: 2024-09-28. Review status: criteria provided, single submitter. Criteria: Invitae Variant Classification Sherloc (09022015). Collection method: clinical testing. Allele origin: germline.
Comment: This sequence change replaces glycine, which is neutral and non-polar, with valine, which is neutral and non-polar, at codon 478 of the COL4A4 protein (p.Gly478Val). This variant is not present in population databases (gnomAD no frequency). This variant has not been reported in the literature in individuals affected with COL4A4-related conditions. Invitae Evidence Modeling of protein sequence and biophysical properties (such as structural, functional, and spatial information, amino acid conservation, physicochemical variation, residue mobility, and thermodynamic stability) indicates that this missense variant is expected to disrupt COL4A4 protein function with a positive predictive value of 95%. Algorithms developed to predict the effect of sequence changes on RNA splicing suggest that this variant may disrupt the consensus splice site. This variant disrupts the p.Gly478 amino acid residue in COL4A4. Other variant(s) that disrupt this residue have been determined to be pathogenic (PMID: 16338941). This suggests that this residue is clinically significant, and that variants that disrupt this residue are likely to be disease-causing. In summary, the currently available evidence indicates that the variant is pathogenic, but additional data are needed to prove that conclusively. Therefore, this variant has been classified as Likely Pathogenic.

Literature cited by the submitters: PubMed 16338941.

NM_000092.5(COL4A4):c.1433G>T (p.Gly478Val)

Gene: COL4A4 (collagen type IV alpha 4 chain; minus strand). Cytogenetic location: 2q36.3.
Variant type: single nucleotide variant.
Coding change: c.1433G>T on transcript NM_000092.5 (MANE Select); coding-DNA position 1433, G replaced by T.
Protein change: p.Gly478Val; replaces glycine 478 with valine.
Molecular consequence: missense variant.
Genome position (GRCh38, 1-based): chr2:227,089,894, C>A on the plus strand (G>T on the coding strand, the complement: COL4A4 is on the minus strand). VCF-style: chr2-227089894-C-A. GRCh37 (hg19) VCF-style: chr2-227954610-C-A.
Other names: short protein forms G478V.
Identifiers: ClinVar variation 3634124 (VCV003634124.2).